The following is an entry in ClinVar:

NM_003324.5(TULP3):c.1158G>A (p.Ala386=)

Gene: TULP3 (TUB like protein 3; plus strand). Cytogenetic location: 12p13.33.
Variant type: single nucleotide variant.
Coding change: c.1158G>A on transcript NM_003324.5 (MANE Select); coding-DNA position 1158, G replaced by A.
Protein change: p.Ala386=; no amino-acid change (alanine 386 retained).
Molecular consequence: synonymous variant.
Genome position (GRCh38, 1-based): chr12:2,938,248, G>A. VCF-style: chr12-2938248-G-A. GRCh37 (hg19) VCF-style: chr12-3047414-G-A.
Other names: c.1158G>A, p.Ala386= (NM_001160408.2).
Identifiers: ClinVar variation 4533652 (VCV004533652.6).
Genomic context (GRCh38, chr12:2,938,248, plus strand): 5'-CGTCTGGAACAGTGACACTCAGTCCTATGTCCTCAACTTCCGTGGCCGGGTCACTCAGGC[G>A]TCTGTGAAGAACTTCCAGATAGTCCACAAAAATGACCGTAAGCCTCCAGGAGGGGTTGGG-3'
Protein context (NP_003315.2, residues 376-396): VLNFRGRVTQ[Ala386=]SVKNFQIVHK

ClinVar aggregate classification (germline): Likely benign (1 of 4 stars; one submission).

Submission:

CeGaT Center for Human Genetics Tuebingen
Classification: Likely benign. Last evaluated: 2026-01-01. Review status: criteria provided, single submitter. Criteria: CeGaT Center For Human Genetics Tuebingen Variant Classification Criteria Version 2. Collection method: clinical testing. Allele origin: germline. Affected: yes. Observed: 2 variant alleles.
Comment: TULP3: BP4, BP7, BS1